The following is an entry in ClinVar:

NM_001367624.2(ZNF469):c.6888G>T (p.Glu2296Asp)

Gene: ZNF469 (zinc finger protein 469; plus strand). Cytogenetic location: 16q24.2.
Variant type: single nucleotide variant.
Coding change: c.6888G>T on transcript NM_001367624.2 (MANE Select); coding-DNA position 6888, G replaced by T.
Protein change: p.Glu2296Asp; replaces glutamic acid 2296 with aspartic acid.
Molecular consequence: missense variant.
Genome position (GRCh38, 1-based): chr16:88,434,358, G>T. VCF-style: chr16-88434358-G-T. GRCh37 (hg19) VCF-style: chr16-88500766-G-T.
Other names: NM_001127464.1:c.6804G>T; short protein forms E2296D.
Identifiers: ClinVar variation 1755537 (VCV001755537.2), dbSNP rs770737265, ClinGen allele CA8225193.
Genomic context (GRCh38, chr16:88,434,358, plus strand): 5'-CGTCTCCCCCAGCGTGGCCGTCAGGGCTACTGGCCTGTCCAGCACTCCCACCGGAGATGA[G>T]GCACAGGCAGGCAGGGGACTCCCAGGGCCAGACCCCCAGAGCAGGGGAGCCCCGCCCCAC-3'
Protein context (NP_001354553.1, residues 2286-2306): TGLSSTPTGD[Glu2296Asp]AQAGRGLPGP

ClinVar aggregate classification (germline): Uncertain significance (1 of 4 stars; one submission).

Conditions:
Cardiovascular phenotype. Identifiers: MedGen CN230736.

Allele frequency attached by ClinVar (database versions not stated): gnomAD exomes 0.00001; ExAC 0.00019.
gnomAD v4.1: 19 of 1,550,144 alleles (0.0012%); highest among the groups gnomAD compares: South Asian, 0.023%; no homozygotes.

Submission:

Ambry Genetics
Classification: Uncertain significance for Cardiovascular phenotype. Last evaluated: 2020-01-10. Review status: criteria provided, single submitter. Criteria: Ambry Variant Classification Scheme 2023. Collection method: clinical testing. Allele origin: germline.
Comment: The p.E2268D variant (also known as c.6804G>T), located in coding exon 2 of the ZNF469 gene, results from a G to T substitution at nucleotide position 6804. The glutamic acid at codon 2268 is replaced by aspartic acid, an amino acid with highly similar properties. This amino acid position is poorly conserved in available vertebrate species. In addition, this alteration is predicted to be tolerated by in silico analysis. Since supporting evidence is limited at this time, the clinical significance of this alteration remains unclear.